The following is an entry in ClinVar:

ClinVar aggregate classification (germline): Conflicting classifications of pathogenicity. Review status: criteria provided, conflicting classifications (1 of 4 stars). 3 submissions from 3 submitters: Uncertain significance (1); Likely benign (2). Last evaluated 2025-10-21.

Allele frequency attached by ClinVar (database versions not stated): ESP Exome Variant Server 0.00038.
gnomAD v4.1: 711 of 1,613,678 alleles (0.044%); highest among the groups gnomAD compares: Admixed American, 0.06%; no homozygotes.

Submissions (4):

Labcorp Genetics (formerly Invitae), Labcorp
Classification: Likely benign. Last evaluated: 2025-10-21. Review status: criteria provided, single submitter. Criteria: Invitae Variant Classification Sherloc (09022015). Collection method: clinical testing. Allele origin: germline.

CeGaT Center for Human Genetics Tuebingen
Classification: Likely benign. Last evaluated: 2025-02-01. Review status: criteria provided, single submitter. Criteria: CeGaT Center For Human Genetics Tuebingen Variant Classification Criteria Version 2. Collection method: clinical testing. Allele origin: germline. Affected: yes. Observed: 2 variant alleles.
Comment: DLST: BP4

Institute for Clinical Genetics, University Hospital TU Dresden, University Hospital TU Dresden
Classification: Uncertain significance. Last evaluated: 2021-11-03. Review status: criteria provided, single submitter. Criteria: ACMG Guidelines, 2015. Collection method: clinical testing. Allele origin: germline.

Dr. Peter K. Rogan Lab, Western University
No classification provided (evidence only). Condition: Acute myeloid leukemia. Review status: no classification provided. Collection method: in vitro. Allele origin: not applicable. Functional consequence: retained intron. Not counted in ClinVar's aggregate classification.

NM_001933.5(DLST):c.976-7C>G

Gene: DLST (dihydrolipoamide S-succinyltransferase; plus strand). Cytogenetic location: 14q24.3.
Variant type: single nucleotide variant.
Coding change: c.976-7C>G on transcript NM_001933.5 (MANE Select); 7 bases into the intron before coding-DNA position 976, C replaced by G.
Molecular consequence: intron variant.
Genome position (GRCh38, 1-based): chr14:74,900,282, C>G. VCF-style: chr14-74900282-C-G. GRCh37 (hg19) VCF-style: chr14-75366985-C-G.
Identifiers: ClinVar variation 1319214 (VCV001319214.19), dbSNP rs200530358, ClinGen allele CA7273711.